The following is an entry in ClinVar:

ClinVar aggregate classification (germline): Uncertain significance. Review status: criteria provided, multiple submitters, no conflicts (2 of 4 stars). 2 submissions from 2 submitters: Uncertain significance (2). Last evaluated 2025-10-11.

Conditions:
Emery-Dreifuss muscular dystrophy 5, autosomal dominant (EDMD5). Also called: EMERY-DREIFUSS MUSCULAR DYSTROPHY 5. Identifiers: Orphanet 261, MedGen C2751805, MONDO:0013072, OMIM 612999.

Allele frequency attached by ClinVar (database versions not stated): gnomAD 0.00001; TOPMed 0.00002.
gnomAD v4.1: 13 of 1,613,810 alleles (0.00081%); highest among the groups gnomAD compares: Admixed American, 0.02%; no homozygotes.

Submissions (2):

Labcorp Genetics (formerly Invitae), Labcorp
Classification: Uncertain significance for Emery-Dreifuss muscular dystrophy 5, autosomal dominant. Last evaluated: 2025-10-11. Review status: criteria provided, single submitter. Criteria: Invitae Variant Classification Sherloc (09022015). Collection method: clinical testing. Allele origin: germline.
Comment: This sequence change replaces valine, which is neutral and non-polar, with leucine, which is neutral and non-polar, at codon 662 of the SYNE2 protein (p.Val662Leu). This variant is present in population databases (rs770201996, gnomAD 0.02%). This variant has not been reported in the literature in individuals affected with SYNE2-related conditions. ClinVar contains an entry for this variant (Variation ID: 2049665). An algorithm developed to predict the effect of missense changes on protein structure and function (PolyPhen-2) suggests that this variant is likely to be tolerated. In summary, the available evidence is currently insufficient to determine the role of this variant in disease. Therefore, it has been classified as a Variant of Uncertain Significance.

Ambry Genetics
Classification: Uncertain significance. Last evaluated: 2025-09-11. Review status: criteria provided, single submitter. Criteria: Ambry Variant Classification Scheme 2023. Collection method: clinical testing. Allele origin: germline.

NM_182914.3(SYNE2):c.1984G>C (p.Val662Leu)

Gene: SYNE2 (spectrin repeat containing nuclear envelope protein 2; plus strand). Cytogenetic location: 14q23.2.
Variant type: single nucleotide variant.
Coding change: c.1984G>C on transcript NM_182914.3 (MANE Select); coding-DNA position 1984, G replaced by C.
Protein change: p.Val662Leu; replaces valine 662 with leucine.
Molecular consequence: missense variant.
Genome position (GRCh38, 1-based): chr14:63,982,777, G>C. VCF-style: chr14-63982777-G-C. GRCh37 (hg19) VCF-style: chr14-64449495-G-C.
Other names: c.1984G>C, p.Val662Leu (NM_015180.6); c.1984G>C (NM_182914.2); short protein forms V662L.
Identifiers: ClinVar variation 2049665 (VCV002049665.7), dbSNP rs770201996, ClinGen allele CA7219558.
Genomic context (GRCh38, chr14:63,982,777, plus strand): 5'-GTGGTTGGATCATCTATTTCTAAAGAACTGAGAAGGCTGAATAAAAGATGGAGAAAGTTG[G>C]TTTCAAAAACTCAACTTGTAAGTTCTTTTGATTGGTTGCAGCTTTATTTAGATATGATTC-3'
Protein context (NP_878918.2, residues 652-672): RRLNKRWRKL[Val662Leu]SKTQLEMNLP